The following is an entry in ClinVar:

NM_004655.4(AXIN2):c.2317G>A (p.Glu773Lys)

Gene: AXIN2 (axin 2; minus strand). Cytogenetic location: 17q24.1.
Variant type: single nucleotide variant.
Coding change: c.2317G>A on transcript NM_004655.4 (MANE Select); coding-DNA position 2317, G replaced by A.
Protein change: p.Glu773Lys; replaces glutamic acid 773 with lysine.
Molecular consequence: missense variant.
Genome position (GRCh38, 1-based): chr17:65,534,000, C>T on the plus strand (G>A on the coding strand, the complement: AXIN2 is on the minus strand). VCF-style: chr17-65534000-C-T. GRCh37 (hg19) VCF-style: chr17-63530118-C-T.
Other names: c.2317G>A (LRG_296t1); c.2122G>A, p.Glu708Lys (NM_001363813.1); short protein forms E773K, E708K.
Identifiers: ClinVar variation 573875 (VCV000573875.6), dbSNP rs1567752110, ClinGen allele CA400675518.

ClinVar aggregate classification (germline): Uncertain significance (1 of 4 stars; one submission).

Conditions:
Oligodontia-cancer predisposition syndrome. Also called: TOOTH AGENESIS-COLORECTAL CANCER SYNDROME. Identifiers: Orphanet 300576, MedGen C1837750, MONDO:0012075, OMIM 608615. Disease mechanism: loss of function.

Submission:

Labcorp Genetics (formerly Invitae), Labcorp
Classification: Uncertain significance for Oligodontia-cancer predisposition syndrome. Last evaluated: 2023-10-04. Review status: criteria provided, single submitter. Criteria: Invitae Variant Classification Sherloc (09022015). Collection method: clinical testing. Allele origin: germline.
Comment: This sequence change replaces glutamic acid, which is acidic and polar, with lysine, which is basic and polar, at codon 773 of the AXIN2 protein (p.Glu773Lys). This variant is not present in population databases (gnomAD no frequency). This variant has not been reported in the literature in individuals affected with AXIN2-related conditions. ClinVar contains an entry for this variant (Variation ID: 573875). Advanced modeling of protein sequence and biophysical properties (such as structural, functional, and spatial information, amino acid conservation, physicochemical variation, residue mobility, and thermodynamic stability) performed at Invitae indicates that this missense variant is expected to disrupt AXIN2 protein function. In summary, the available evidence is currently insufficient to determine the role of this variant in disease. Therefore, it has been classified as a Variant of Uncertain Significance.